The following is an entry in ClinVar:

ClinVar aggregate classification (germline): Uncertain significance (1 of 4 stars; one submission).

Submission:

Labcorp Genetics (formerly Invitae), Labcorp
Classification: Uncertain significance. Last evaluated: 2025-01-27. Review status: criteria provided, single submitter. Criteria: Invitae Variant Classification Sherloc (09022015). Collection method: clinical testing. Allele origin: germline.
Comment: This sequence change falls in intron 6 of the KLHL7 gene. It does not directly change the encoded amino acid sequence of the KLHL7 protein. It affects a nucleotide within the consensus splice site. This variant is not present in population databases (gnomAD no frequency). This variant has not been reported in the literature in individuals affected with KLHL7-related conditions. ClinVar contains an entry for this variant (Variation ID: 1488767). Variants that disrupt the consensus splice site are a relatively common cause of aberrant splicing (PMID: 17576681, 9536098). Algorithms developed to predict the effect of sequence changes on RNA splicing suggest that this variant is not likely to affect RNA splicing. In summary, the available evidence is currently insufficient to determine the role of this variant in disease. Therefore, it has been classified as a Variant of Uncertain Significance.

Literature cited by the submitters: PubMed 17576681; PubMed 9536098.

NM_001031710.3(KLHL7):c.794-3C>T

Gene: KLHL7 (kelch like family member 7; plus strand). Cytogenetic location: 7p15.3.
Variant type: single nucleotide variant.
Coding change: c.794-3C>T on transcript NM_001031710.3 (MANE Select); 3 bases into the intron before coding-DNA position 794, C replaced by T.
Molecular consequence: intron variant.
Genome position (GRCh38, 1-based): chr7:23,152,064, C>T. VCF-style: chr7-23152064-C-T. GRCh37 (hg19) VCF-style: chr7-23191683-C-T.
Other names: c.650-3C>T (NM_018846.5).
Identifiers: ClinVar variation 1488767 (VCV001488767.6), dbSNP rs2128466894, ClinGen allele CA2573142092.